The following is an entry in ClinVar:

NM_014989.7(RIMS1):c.5021G>A (p.Arg1674Gln)

Gene: RIMS1 (regulating synaptic membrane exocytosis 1; plus strand). Cytogenetic location: 6q13.
Variant type: single nucleotide variant.
Coding change: c.5021G>A on transcript NM_014989.7 (MANE Select); coding-DNA position 5021, G replaced by A.
Protein change: p.Arg1674Gln; replaces arginine 1674 with glutamine.
Molecular consequence: missense variant.
Genome position (GRCh38, 1-based): chr6:72,400,656, G>A. VCF-style: chr6-72400656-G-A. GRCh37 (hg19) VCF-style: chr6-73110358-G-A.
Other names: c.2981G>A, p.Arg994Gln (NM_001168407.2); c.2396G>A, p.Arg799Gln (NM_001168408.2, NM_001350430.2); c.2225G>A, p.Arg742Gln (NM_001168409.2); c.2423G>A, p.Arg808Gln (NM_001168410.2); c.602G>A, p.Arg201Gln (NM_001168411.2); c.2942G>A, p.Arg981Gln (NM_001350414.2); c.3038G>A, p.Arg1013Gln (NM_001350415.2); c.2987G>A, p.Arg996Gln (NM_001350416.2); and 54 more; short protein forms R1055Q, R1056Q, R783Q, R799Q, R808Q, R863Q, R884Q, R890Q.
Identifiers: ClinVar variation 1427059 (VCV001427059.8), dbSNP rs374255650, ClinGen allele CA3886647.

ClinVar aggregate classification (germline): Uncertain significance (1 of 4 stars; one submission).

Allele frequency attached by ClinVar (database versions not stated): ExAC 0.00002; gnomAD exomes 0.00002; gnomAD 0.00003 and 0.00004; TOPMed 0.00003; ESP Exome Variant Server 0.00016.
gnomAD v4.1: 31 of 1,613,684 alleles (0.0019%); highest among the groups gnomAD compares: Non-Finnish European, 0.0024%; no homozygotes.

Submission:

Labcorp Genetics (formerly Invitae), Labcorp
Classification: Uncertain significance. Last evaluated: 2025-07-14. Review status: criteria provided, single submitter. Criteria: Invitae Variant Classification Sherloc (09022015). Collection method: clinical testing. Allele origin: germline.
Comment: This sequence change replaces arginine, which is basic and polar, with glutamine, which is neutral and polar, at codon 1674 of the RIMS1 protein (p.Arg1674Gln). This variant is present in population databases (rs374255650, gnomAD 0.005%). This variant has not been reported in the literature in individuals affected with RIMS1-related conditions. ClinVar contains an entry for this variant (Variation ID: 1427059). An algorithm developed to predict the effect of missense changes on protein structure and function (PolyPhen-2) suggests that this variant is likely to be disruptive. In summary, the available evidence is currently insufficient to determine the role of this variant in disease. Therefore, it has been classified as a Variant of Uncertain Significance.